The following is an entry in ClinVar:

ClinVar aggregate classification (germline): Uncertain significance (1 of 4 stars; one submission).

Conditions:
Succinate-semialdehyde dehydrogenase deficiency (SSADHD). Also called: Succinic Semialdehyde Dehydrogenase Deficiency; SSADH DEFICIENCY; 4-HYDROXYBUTYRIC ACIDURIA; GABA METABOLIC DEFECT. Identifiers: Orphanet 22, MedGen C0268631, MONDO:0010083, OMIM 271980.

Allele frequency attached by ClinVar (database versions not stated): gnomAD 0.00001; TOPMed 0.00001.
gnomAD v4.1: 3 of 1,330,208 alleles (0.00023%); highest among the groups gnomAD compares: East Asian, 0.0063%; no homozygotes.

Submission:

Labcorp Genetics (formerly Invitae), Labcorp
Classification: Uncertain significance for Succinate-semialdehyde dehydrogenase deficiency. Last evaluated: 2021-05-20. Review status: criteria provided, single submitter. Criteria: Invitae Variant Classification Sherloc (09022015). Collection method: clinical testing. Allele origin: germline.
Comment: In summary, the available evidence is currently insufficient to determine the role of this variant in disease. Therefore, it has been classified as a Variant of Uncertain Significance. Advanced modeling of protein sequence and biophysical properties (such as structural, functional, and spatial information, amino acid conservation, physicochemical variation, residue mobility, and thermodynamic stability) performed at Invitae indicates that this missense variant is not expected to disrupt ALDH5A1 protein function. This variant has not been reported in the literature in individuals with ALDH5A1-related conditions. The frequency data for this variant in the population databases is considered unreliable, as metrics indicate insufficient coverage at this position in the ExAC database. This sequence change replaces proline with leucine at codon 41 of the ALDH5A1 protein (p.Pro41Leu). The proline residue is weakly conserved and there is a moderate physicochemical difference between proline and leucine.

NM_001080.3(ALDH5A1):c.122C>T (p.Pro41Leu)

Genes: ALDH5A1 (aldehyde dehydrogenase 5 family member A1; plus strand), GPLD1 (glycosylphosphatidylinositol specific phospholipase D1; minus strand), LOC129995978 (ATAC-STARR-seq lymphoblastoid silent region 16989; plus strand). Cytogenetic location: 6p22.3.
Variant type: single nucleotide variant.
Coding change: c.122C>T on transcript NM_001080.3 (MANE Select); coding-DNA position 122, C replaced by T.
Protein change: p.Pro41Leu; replaces proline 41 with leucine.
Molecular consequence: missense variant.
Genome position (GRCh38, 1-based): chr6:24,495,118, C>T. VCF-style: chr6-24495118-C-T. GRCh37 (hg19) VCF-style: chr6-24495346-C-T.
Other names: c.122C>T, p.Pro41Leu (NM_001368954.1, NM_170740.1); short protein forms P41L.
Identifiers: ClinVar variation 1398257 (VCV001398257.8), dbSNP rs1764664671, ClinGen allele CA362968269.